The following is an entry in ClinVar:

NM_003620.4(PPM1D):c.1223_1224del (p.Val408fs)

Gene: PPM1D (protein phosphatase, Mg2+/Mn2+ dependent 1D; plus strand). Cytogenetic location: 17q23.2.
Variant type: Microsatellite.
Coding change: c.1223_1224del on transcript NM_003620.4 (MANE Select); coding-DNA positions 1223 to 1224, 2 bases deleted (TG; older notation c.1223_1224delTG).
Protein change: p.Val408fs; shifts the reading frame from valine 408.
Molecular consequence: frameshift variant.
Genome position (GRCh38, 1-based): chr17:60,656,804-60,656,805, TG deleted; deleting any 2 consecutive bases within chr17:60,656,800-60,656,805 gives the same sequence; the c. name uses the placement nearest the transcript's 3' end. VCF-style (leftmost placement, unchanged base first): chr17-60656799-CTG-C. GRCh37 (hg19) VCF-style: chr17-58734160-CTG-C.
Other names: short protein forms V408fs.
Identifiers: ClinVar variation 2149709 (VCV002149709.4), dbSNP rs2544465707, ClinGen allele CA2576343408.
Genomic context (GRCh38, chr17:60,656,799, plus strand): 5'-CAATGAAGATGAGTTATACCTGAACCTGACTGACAGCCCTTCCTATAATAGTCAAGAAAC[CTG>C]TGTGATGACTCCTTCCCCATGTTCTACACCACCAGTCAAGGTATATAGTTCCATAGTTTT-3'

ClinVar aggregate classification (germline): Uncertain significance (1 of 4 stars; one submission).

Submission:

Labcorp Genetics (formerly Invitae), Labcorp
Classification: Uncertain significance. Last evaluated: 2022-05-21. Review status: criteria provided, single submitter. Criteria: Invitae Variant Classification Sherloc (09022015). Collection method: clinical testing. Allele origin: germline.
Comment: In summary, the available evidence is currently insufficient to determine the role of this variant in disease. Therefore, it has been classified as a Variant of Uncertain Significance. This variant has not been reported in the literature in individuals affected with PPM1D-related conditions. This variant is not present in population databases (gnomAD no frequency). This sequence change creates a premature translational stop signal (p.Val408Aspfs*25) in the PPM1D gene. While this is not anticipated to result in nonsense mediated decay, it is expected to disrupt the last 198 amino acid(s) of the PPM1D protein.